The following is an entry in ClinVar:

NM_001363711.2(DUOX2):c.2752G>T (p.Glu918Ter)

Gene: DUOX2 (dual oxidase 2; minus strand). Cytogenetic location: 15q21.1.
Variant type: single nucleotide variant.
Coding change: c.2752G>T on transcript NM_001363711.2 (MANE Select); coding-DNA position 2752, G replaced by T.
Protein change: p.Glu918Ter; replaces glutamic acid 918 with a stop codon.
Molecular consequence: nonsense.
Genome position (GRCh38, 1-based): chr15:45,101,892, C>A on the plus strand (G>T on the coding strand, the complement: DUOX2 is on the minus strand). VCF-style: chr15-45101892-C-A. GRCh37 (hg19) VCF-style: chr15-45394090-C-A.
Other names: c.2752G>T, p.Glu918Ter (NM_014080.5); short protein forms E918*.
Identifiers: ClinVar variation 1369058 (VCV001369058.6), dbSNP rs1380632698, ClinGen allele CA392267035.

ClinVar aggregate classification (germline): Pathogenic (1 of 4 stars; one submission).

Allele frequency attached by ClinVar (database versions not stated): gnomAD exomes below 0.00001; TOPMed 0.00001.
gnomAD v4.1: 1 of 1,614,230 alleles (0.000062%); highest among the groups gnomAD compares: Admixed American, 0.0017%; no homozygotes.

Submission:

Labcorp Genetics (formerly Invitae), Labcorp
Classification: Pathogenic. Last evaluated: 2023-10-20. Review status: criteria provided, single submitter. Criteria: Invitae Variant Classification Sherloc (09022015). Collection method: clinical testing. Allele origin: germline.
Comment: This sequence change creates a premature translational stop signal (p.Glu918*) in the DUOX2 gene. It is expected to result in an absent or disrupted protein product. Loss-of-function variants in DUOX2 are known to be pathogenic (PMID: 12110737, 18765513, 21565790, 24423310, 24735383). This variant is present in population databases (no rsID available, gnomAD 0.003%). This variant has not been reported in the literature in individuals affected with DUOX2-related conditions. ClinVar contains an entry for this variant (Variation ID: 1369058). For these reasons, this variant has been classified as Pathogenic.

Literature cited by the submitters: PubMed 12110737; PubMed 18765513; PubMed 21565790; PubMed 24423310; PubMed 24735383.